The following is an entry in ClinVar:

ClinVar aggregate classification (germline): Uncertain significance (1 of 4 stars; one submission).

Submission:

GeneDx
Classification: Uncertain significance. Last evaluated: 2026-07-11. Review status: criteria provided, single submitter. Criteria: GeneDx Variant Classification Process June 2021. Collection method: clinical testing. Allele origin: germline.
Comment: Has not been previously published as pathogenic or benign to our knowledge; Not observed at significant frequency in large population cohorts (gnomAD); In silico analysis supports that this missense variant has a deleterious effect on protein structure/function

NM_001967.4(EIF4A2):c.889G>T (p.Asp297Tyr)

Gene: EIF4A2 (eukaryotic translation initiation factor 4A2; plus strand). Cytogenetic location: 3q27.3.
Variant type: single nucleotide variant.
Coding change: c.889G>T on transcript NM_001967.4 (MANE Select); coding-DNA position 889, G replaced by T.
Protein change: p.Asp297Tyr; replaces aspartic acid 297 with tyrosine.
Molecular consequence: missense variant.
Genome position (GRCh38, 1-based): chr3:186,787,244, G>T. VCF-style: chr3-186787244-G-T. GRCh37 (hg19) VCF-style: chr3-186505033-G-T.
Other names: short protein forms D297Y.
Identifiers: ClinVar variation 3365020 (VCV003365020.2).